The following is an entry in ClinVar:

NM_002334.4(LRP4):c.2261G>A (p.Arg754Gln)

Gene: LRP4 (LDL receptor related protein 4; minus strand). Cytogenetic location: 11p11.2.
Variant type: single nucleotide variant.
Coding change: c.2261G>A on transcript NM_002334.4 (MANE Select); coding-DNA position 2261, G replaced by A.
Protein change: p.Arg754Gln; replaces arginine 754 with glutamine.
Molecular consequence: missense variant.
Genome position (GRCh38, 1-based): chr11:46,886,488, C>T on the plus strand (G>A on the coding strand, the complement: LRP4 is on the minus strand). VCF-style: chr11-46886488-C-T. GRCh37 (hg19) VCF-style: chr11-46908039-C-T.
Other names: short protein forms R754Q.
Identifiers: ClinVar variation 2038329 (VCV002038329.4), dbSNP rs768053076, ClinGen allele CA5969937.

ClinVar aggregate classification (germline): Uncertain significance (1 of 4 stars; one submission).

Conditions:
Cenani-Lenz syndactyly syndrome. Also called: SYNDACTYLY, TYPE VII; CENANI SYNDACTYLISM. Identifiers: Orphanet 3258, MedGen C1859309, MONDO:0008931, OMIM 212780.
Sclerosteosis 2 (SOST2). Identifiers: Orphanet 3152, MedGen C3280402, MONDO:0013679, OMIM 614305.
Congenital myasthenic syndrome 17. Identifiers: Orphanet 590, MedGen C4225377, MONDO:0014578, OMIM 616304.

Allele frequency attached by ClinVar (database versions not stated): ExAC 0.00001.
gnomAD v4.1: 4 of 1,614,124 alleles (0.00025%); highest among the groups gnomAD compares: Non-Finnish European, 0.00034%; no homozygotes.

Submission:

Labcorp Genetics (formerly Invitae), Labcorp
Classification: Uncertain significance for Cenani-Lenz syndactyly syndrome; Sclerosteosis 2; Congenital myasthenic syndrome 17. Last evaluated: 2022-04-23. Review status: criteria provided, single submitter. Criteria: Invitae Variant Classification Sherloc (09022015). Collection method: clinical testing. Allele origin: germline.
Comment: In summary, the available evidence is currently insufficient to determine the role of this variant in disease. Therefore, it has been classified as a Variant of Uncertain Significance. Algorithms developed to predict the effect of missense changes on protein structure and function are either unavailable or do not agree on the potential impact of this missense change (SIFT: "Deleterious"; PolyPhen-2: "Benign"; Align-GVGD: "Class C35"). This variant has not been reported in the literature in individuals affected with LRP4-related conditions. This variant is present in population databases (rs768053076, gnomAD 0.003%). This sequence change replaces arginine, which is basic and polar, with glutamine, which is neutral and polar, at codon 754 of the LRP4 protein (p.Arg754Gln).